The following is an entry in ClinVar:

NM_198880.3(QRICH1):c.914dup (p.Gly306fs)

Gene: QRICH1 (glutamine rich 1; minus strand). Cytogenetic location: 3p21.31.
Variant type: Duplication.
Coding change: c.914dup on transcript NM_198880.3 (MANE Select); coding-DNA position 914, one base duplicated (C; older notation c.914dupC).
Protein change: p.Gly306fs; shifts the reading frame from glycine 306.
Molecular consequence: frameshift variant.
Genome position (GRCh38, 1-based): chr3:49,057,286, G duplicated on the plus strand (C on the coding strand, the reverse complement: QRICH1 is on the minus strand). VCF-style (leftmost placement, unchanged base first): chr3-49057285-T-TG. GRCh37 (hg19) VCF-style: chr3-49094718-T-TG.
Other names: c.914dup, p.Gly306fs (NM_001320580.2, NM_001320581.2, NM_001320582.2 and 4 more transcripts); short protein forms G306fs.
Identifiers: ClinVar variation 1172648 (VCV001172648.2), dbSNP rs2106905056, ClinGen allele CA2499216894.

ClinVar aggregate classification (germline): Likely pathogenic. Review status: criteria provided, multiple submitters, no conflicts (2 of 4 stars). 2 submissions from 2 submitters: Likely pathogenic (2). Last evaluated 2021-12-21.

Conditions:
Ververi-Brady syndrome. Identifiers: MedGen C4693824, MONDO:0979877.
Intellectual disability. Also called: Intellectual functioning disability; intellectual disabilities; Intellectual developmental disorder. Identifiers: MedGen C3714756, MeSH D008607, MONDO:0001071, HP:0001249.

Submissions (2):

Institute of Human Genetics, University of Leipzig Medical Center
Classification: Likely pathogenic for Ververi-Brady syndrome 1. Last evaluated: 2021-12-21. Review status: criteria provided, single submitter. Criteria: ACMG Guidelines, 2015. Collection method: research. Allele origin: germline. Affected: yes.

Equipe Genetique des Anomalies du Developpement, Université de Bourgogne
Classification: Likely pathogenic for Intellectual disability. Review status: criteria provided, single submitter. Criteria: ACMG Guidelines, 2015. Collection method: clinical testing. Allele origin: maternal. Affected: yes.

Literature cited by the submitters: PubMed 34859529 (cited by Institute of Human Genetics, University of Leipzig Medical Center).